The following is an entry in ClinVar:

NM_002860.4(ALDH18A1):c.1894C>A (p.Gln632Lys)

Gene: ALDH18A1 (aldehyde dehydrogenase 18 family member A1; minus strand). Cytogenetic location: 10q24.1.
Variant type: single nucleotide variant.
Coding change: c.1894C>A on transcript NM_002860.4 (MANE Select); coding-DNA position 1894, C replaced by A.
Protein change: p.Gln632Lys; replaces glutamine 632 with lysine.
Molecular consequence: missense variant.
Genome position (GRCh38, 1-based): chr10:95,613,771, G>T on the plus strand (C>A on the coding strand, the complement: ALDH18A1 is on the minus strand). VCF-style: chr10-95613771-G-T. GRCh37 (hg19) VCF-style: chr10-97373528-G-T.
Other names: c.1888C>A, p.Gln630Lys (NM_001017423.2, NM_001323415.2); c.1561C>A, p.Gln521Lys (NM_001323412.2, NM_001323416.2); c.1894C>A, p.Gln632Lys (NM_001323413.2, NM_001323414.2); c.1789C>A, p.Gln597Lys (NM_001323417.2); c.1555C>A, p.Gln519Lys (NM_001323418.2); c.1258C>A, p.Gln420Lys (NM_001323419.2); short protein forms Q521K, Q597K, Q630K, Q420K, Q519K, Q632K.
Identifiers: ClinVar variation 1943802 (VCV001943802.5), dbSNP rs2526725420, ClinGen allele CA377700264.

ClinVar aggregate classification (germline): Uncertain significance (1 of 4 stars; one submission).

Conditions:
Cutis laxa, autosomal dominant 3 (ADCL3). Identifiers: Orphanet 90348, MedGen C4225268, MONDO:0014706, OMIM 616603.
Autosomal dominant spastic paraplegia type 9. Identifiers: MedGen C1832669, MONDO:0015091.
de Barsy syndrome. Also called: Cutis laxa-corneal clouding-oligophrenia syndrome. Identifiers: Orphanet 2962, MedGen C0268354, MONDO:0017569.

Submission:

Labcorp Genetics (formerly Invitae), Labcorp
Classification: Uncertain significance for Autosomal dominant spastic paraplegia type 9; de Barsy syndrome; Cutis laxa, autosomal dominant 3. Last evaluated: 2022-04-17. Review status: criteria provided, single submitter. Criteria: Invitae Variant Classification Sherloc (09022015). Collection method: clinical testing. Allele origin: germline.
Comment: This variant has not been reported in the literature in individuals affected with ALDH18A1-related conditions. This sequence change replaces glutamine, which is neutral and polar, with lysine, which is basic and polar, at codon 632 of the ALDH18A1 protein (p.Gln632Lys). This variant is not present in population databases (gnomAD no frequency). Algorithms developed to predict the effect of missense changes on protein structure and function (SIFT, PolyPhen-2, Align-GVGD) all suggest that this variant is likely to be tolerated. In summary, the available evidence is currently insufficient to determine the role of this variant in disease. Therefore, it has been classified as a Variant of Uncertain Significance.